The following is an entry in ClinVar:

ClinVar aggregate classification (germline): Likely benign. Review status: criteria provided, multiple submitters, no conflicts (2 of 4 stars). 3 submissions from 3 submitters: Likely benign (3). Last evaluated 2026-02-02.

Conditions:
ALPK3-related disorder. Also called: ALPK3-related condition.
Cardiovascular phenotype. Identifiers: MedGen CN230736.

Allele frequency attached by ClinVar (database versions not stated): gnomAD exomes 0.00002 and 0.00006; ExAC 0.00006; gnomAD 0.00018 and 0.00019; TOPMed 0.00025; ESP Exome Variant Server 0.00031.

Submissions (3):

Labcorp Genetics (formerly Invitae), Labcorp
Classification: Likely benign. Last evaluated: 2026-02-02. Review status: criteria provided, single submitter. Criteria: Invitae Variant Classification Sherloc (09022015). Collection method: clinical testing. Allele origin: germline.

PreventionGenetics, part of Exact Sciences
Classification: Likely benign for ALPK3-related condition. Last evaluated: 2025-03-25. Review status: criteria provided, single submitter. Criteria: ACMG Guidelines, 2015. Collection method: clinical testing. Allele origin: germline.
Comment: This variant is classified as likely benign based on ACMG/AMP sequence variant interpretation guidelines (Richards et al. 2015 PMID: 25741868, with internal and published modifications).

Ambry Genetics
Classification: Likely benign for Cardiovascular phenotype. Last evaluated: 2019-07-01. Review status: criteria provided, single submitter. Criteria: Ambry Variant Classification Scheme 2023. Collection method: clinical testing. Allele origin: germline.

NM_020778.5(ALPK3):c.2640G>A (p.Lys880=)

Gene: ALPK3 (alpha kinase 3; plus strand). Cytogenetic location: 15q25.3.
Variant type: single nucleotide variant.
Coding change: c.2640G>A on transcript NM_020778.5 (MANE Select); coding-DNA position 2640, G replaced by A.
Protein change: p.Lys880=; no amino-acid change (lysine 880 retained).
Molecular consequence: synonymous variant.
Genome position (GRCh38, 1-based): chr15:84,857,378, G>A. VCF-style: chr15-84857378-G-A. GRCh37 (hg19) VCF-style: chr15-85400609-G-A.
Identifiers: ClinVar variation 1624506 (VCV001624506.11), dbSNP rs142338449, ClinGen allele CA7709458.
Genomic context (GRCh38, chr15:84,857,378, plus strand): 5'-GAGCCAGGAGGTACCCACGATGCCTTCTCTTCCTGGAACTGGGCTGACAGCTAGCCCAAA[G>A]GCGGGGCCGTGTAGCACCCCGACTTCTCAGCACGGGAGCACAGCCACCTTCCTGCCCTCT-3'
Protein context (NP_065829.4, residues 870-890): LPGTGLTASP[Lys880=]AGPCSTPTSQ